The following is an entry in ClinVar:

NM_004656.4(BAP1):c.438-12G>C

Gene: BAP1 (BRCA1 associated deubiquitinase 1; minus strand). Cytogenetic location: 3p21.1.
Variant type: single nucleotide variant.
Coding change: c.438-12G>C on transcript NM_004656.4 (MANE Select); 12 bases into the intron before coding-DNA position 438, G replaced by C.
Molecular consequence: intron variant.
Genome position (GRCh38, 1-based): chr3:52,407,328, C>G on the plus strand (G>C on the coding strand, the complement: BAP1 is on the minus strand). VCF-style: chr3-52407328-C-G. GRCh37 (hg19) VCF-style: chr3-52441344-C-G.
Identifiers: ClinVar variation 922266 (VCV000922266.8), dbSNP rs142131779, ClinGen allele CA2437067.
Genomic context (GRCh38, chr3:52,407,328, plus strand): 5'-CACTGCACTAAGGCCATTCTGCTTCTCAGGGAGGTGGCGTGGCTCGGGCCTGGGGAAAAA[C>G]AGAGTCAGGGCCCAAAAAATGATACTCCCCCTACTCCCACCCCACATCAGCTCCCACAGC-3'

ClinVar aggregate classification (germline): Benign/Likely benign. Review status: criteria provided, multiple submitters, no conflicts (2 of 4 stars). 3 submissions from 3 submitters: Benign (1); Likely benign (2). Last evaluated 2025-07-09.

Conditions:
Hereditary cancer-predisposing syndrome. Also called: Neoplastic Syndromes, Hereditary; Tumor predisposition; Hereditary Cancer Syndrome; Hereditary neoplastic syndrome. Identifiers: Orphanet 140162, MedGen C0027672, MeSH D009386, MONDO:0015356.
BAP1-related tumor predisposition syndrome (TPDS1). Also called: Tumor susceptibility linked to germline BAP1 mutations; COMMON Syndrome; TUMOR PREDISPOSITION SYNDROME 1; BAP1 tumor predisposition syndrome. Identifiers: Orphanet 289539, MedGen C3280492, MONDO:0013692, OMIM 614327.

Allele frequency attached by ClinVar (database versions not stated): gnomAD exomes below 0.00001 and 0.00001; gnomAD 0.00001; TOPMed 0.00001; ExAC 0.00002; 1000 Genomes Project 0.00020; 1000 Genomes Project 30x 0.00031.
gnomAD v4.1: 6 of 1,614,192 alleles (0.00037%); highest among the groups gnomAD compares: African/African-American, 0.0027%; no homozygotes.

Submissions (3):

Labcorp Genetics (formerly Invitae), Labcorp
Classification: Likely benign for BAP1-related tumor predisposition syndrome. Last evaluated: 2025-07-09. Review status: criteria provided, single submitter. Criteria: Invitae Variant Classification Sherloc (09022015). Collection method: clinical testing. Allele origin: germline.

Myriad Genetics, Inc.
Classification: Benign for BAP1-related tumor predisposition syndrome. Last evaluated: 2024-07-12. Review status: criteria provided, single submitter. Criteria: Myriad Autosomal Dominant, Autosomal Recessive and X-Linked Classification Criteria (2023). Collection method: clinical testing. Allele origin: unknown.
Comment: This variant is considered benign. This variant is intronic and is not expected to impact mRNA splicing. This variant has been observed at a population frequency that is significantly greater than expected given the associated disease prevalence and penetrance.

Color Diagnostics, LLC DBA Color Health
Classification: Likely benign for Hereditary cancer-predisposing syndrome. Last evaluated: 2019-10-31. Review status: criteria provided, single submitter. Criteria: ACMG Guidelines, 2015. Collection method: clinical testing. Allele origin: germline.